The following is an entry in ClinVar:

NM_017644.3(KLHL24):c.307C>T (p.Arg103Ter)

Gene: KLHL24 (kelch like family member 24; plus strand). Cytogenetic location: 3q27.1.
Variant type: single nucleotide variant.
Coding change: c.307C>T on transcript NM_017644.3 (MANE Select); coding-DNA position 307, C replaced by T.
Protein change: p.Arg103Ter; replaces arginine 103 with a stop codon.
Molecular consequence: nonsense. On other transcripts: 5 prime UTR variant (2), non-coding transcript variant (2).
Genome position (GRCh38, 1-based): chr3:183,650,663, C>T. VCF-style: chr3-183650663-C-T. GRCh37 (hg19) VCF-style: chr3-183368451-C-T.
Other names: c.307C>T, p.Arg103Ter (NM_001349413.1, NM_001349414.1, NM_001349415.1 and 11 more transcripts); c.-660C>T (NM_001349428.1, NM_001349429.1); short protein forms R103*.
Identifiers: ClinVar variation 3901085 (VCV003901085.2).

ClinVar aggregate classification (germline): Uncertain significance. Review status: criteria provided, single submitter (1 of 4 stars). 2 submissions from 2 submitters: Uncertain significance (1). 1 of the submissions does not count toward it. Last evaluated 2024-08-17.

Conditions:
Cardiomyopathy, familial hypertrophic, 29, with polyglucosan bodies (CMH29). Identifiers: MedGen C5774308, MONDO:0859372, OMIM 620236.

gnomAD v4.1: 4 of 1,613,900 alleles (0.00025%); highest among the groups gnomAD compares: East Asian, 0.0022%; no homozygotes.

Submissions (2):

3billion
Classification: Uncertain significance for Cardiomyopathy, familial hypertrophic, 29, with polyglucosan bodies. Last evaluated: 2024-08-17. Review status: criteria provided, single submitter. Criteria: ACMG Guidelines, 2015. Collection method: clinical testing. Allele origin: germline. Affected: yes.
Comment: The variant is observed at an extremely low frequency in the gnomAD v4.0.0 dataset (total allele frequency: <0.001%). Predicted Consequence/Location: Stop-gained (nonsense): predicted to result in a loss or disruption of normal protein function through nonsense-mediated decay (NMD) or protein truncation. However, evidence are insufficient at this time. Therefore, this variant is classified as VUS according to the recommendation of ACMG/AMP guideline.

Biotechnology Department, Cairo University
Classification: Likely pathogenic for Cardiomyopathy, familial hypertrophic, 29, with polyglucosan bodies. Review status: no assertion criteria provided. Collection method: research. Allele origin: germline. Inheritance: Autosomal recessive inheritance. Affected: yes. Not counted in ClinVar's aggregate classification.
Comment: The variant is located in coding exon 3 of the KLHL24 gene. It is classified as Likely Pathogenic according to ACMG Classification with a deleterious (fs/PTC) effect. This variant is present in population databases (rs757620913, gnomAD 0.000003979). Pathogenic null variants in this gene are linked to a recessive form of HCM, which presents with early-onset disease, a high incidence of arrhythmias, and neuromuscular issues potentially caused by glycogen accumulation or desmin abduction.